The following is an entry in ClinVar:

ClinVar aggregate classification (germline): Uncertain significance. Review status: criteria provided, multiple submitters, no conflicts (2 of 4 stars). 2 submissions from 2 submitters: Uncertain significance (2). Last evaluated 2023-07-07.

Conditions:
Peroxisome biogenesis disorder 12A (Zellweger). Also called: Peroxisome biogenesis disorder 12A. Identifiers: Orphanet 912, MedGen C3554002, MONDO:0013951, OMIM 614886.

Submissions (2):

Labcorp Genetics (formerly Invitae), Labcorp
Classification: Uncertain significance for Peroxisome biogenesis disorder 12A (Zellweger). Last evaluated: 2023-07-07. Review status: criteria provided, single submitter. Criteria: Invitae Variant Classification Sherloc (09022015). Collection method: clinical testing. Allele origin: germline.
Comment: This sequence change replaces glutamic acid, which is acidic and polar, with methionine, which is neutral and non-polar, at codon 235 of the PEX19 protein (p.Glu235Met). Information on the frequency of this variant in the gnomAD database is not available, as this variant may be reported differently in the database. This variant has not been reported in the literature in individuals affected with PEX19-related conditions. ClinVar contains an entry for this variant (Variation ID: 593500). An algorithm developed to predict the effect of missense changes on protein structure and function (PolyPhen-2) suggests that this variant is likely to be disruptive. In summary, the available evidence is currently insufficient to determine the role of this variant in disease. Therefore, it has been classified as a Variant of Uncertain Significance.

Eurofins Ntd Llc (ga)
Classification: Uncertain significance. Last evaluated: 2017-08-01. Review status: criteria provided, single submitter. Criteria: EGL Classification Definitions 2015. Collection method: clinical testing. Allele origin: germline. Observed: 1 variant allele, 1 heterozygote.

NM_002857.4(PEX19):c.703_704delinsAT (p.Glu235Met)

Gene: PEX19 (peroxisomal biogenesis factor 19; minus strand). Cytogenetic location: 1q23.2.
Variant type: Indel.
Coding change: c.703_704delinsAT on transcript NM_002857.4 (MANE Select); coding-DNA positions 703 to 704, GA replaced by AT.
Protein change: p.Glu235Met; replaces glutamic acid 235 with methionine.
Molecular consequence: missense variant. On other transcripts: non-coding transcript variant (2).
Genome position (GRCh38, 1-based): chr1:160,280,137-160,280,138, TC replaced by AT on the plus strand (GA replaced by AT on the coding strand, the reverse complement: PEX19 is on the minus strand). VCF-style: chr1-160280137-TC-AT. GRCh37 (hg19) VCF-style: chr1-160249927-TC-AT.
Other names: c.703_704delinsAT, p.Glu235Met (NM_001193644.1); short protein forms E235M.
Identifiers: ClinVar variation 593500 (VCV000593500.9), dbSNP rs1557853548, ClinGen allele CA913189804.